The following is an entry in ClinVar:

NM_003722.5(TP63):c.1481C>T (p.Thr494Ile)

Gene: TP63 (tumor protein p63; plus strand). Cytogenetic location: 3q28.
Variant type: single nucleotide variant.
Coding change: c.1481C>T on transcript NM_003722.5 (MANE Select); coding-DNA position 1481, C replaced by T.
Protein change: p.Thr494Ile; replaces threonine 494 with isoleucine.
Molecular consequence: missense variant.
Genome position (GRCh38, 1-based): chr3:189,886,525, C>T. VCF-style: chr3-189886525-C-T. GRCh37 (hg19) VCF-style: chr3-189604314-C-T.
Other names: c.1481C>T, p.Thr494Ile (NM_001114978.2, NM_001329144.2); c.1199C>T, p.Thr400Ile (NM_001114980.2, NM_001114981.2, NM_001329145.2); c.944C>T, p.Thr315Ile (NM_001329146.2); c.1469C>T, p.Thr490Ile (NM_001329148.2); c.1187C>T, p.Thr396Ile (NM_001329149.2); c.932C>T, p.Thr311Ile (NM_001329150.2); c.1475C>T, p.Thr492Ile (NM_001329964.2); short protein forms T492I, T494I, T315I, T400I, T490I, T311I, T396I.
Identifiers: ClinVar variation 2046177 (VCV002046177.4), dbSNP rs910252082, ClinGen allele CA89762772.

ClinVar aggregate classification (germline): Uncertain significance. Review status: criteria provided, multiple submitters, no conflicts (2 of 4 stars). 2 submissions from 2 submitters: Uncertain significance (2). Last evaluated 2025-01-27.

Conditions:
ADULT syndrome. Also called: Acro-Dermo-Ungual-Lacrimal-Tooth Syndrome (ADULT Syndrome); ACRO-DERMATO-UNGUAL-LACRIMAL-TOOTH SYNDROME; Acro-dermato-ungual-lacrimal-tooth (adult) syndrome. Identifiers: Orphanet 978, MedGen C1863204, MONDO:0007072, OMIM 103285.
Split hand-foot malformation 4. Also called: Split-Hand/Foot Malformation Type 4 (SHFM4 syndrome); Split-Hand/Foot Malformation Type 4 (SHFM4). Identifiers: Orphanet 2440, MedGen C1854442, MONDO:0011535, OMIM 605289.
Ankyloblepharon-ectodermal defects-cleft lip/palate syndrome. Also called: Hay-Wells syndrome of ectodermal dysplasia; AEC SYNDROME; HAY-WELLS SYNDROME; Ankyloblepharon-ectodermal defects, cleft lip/palate; Ankyloblepharon-Ectodermal Defects-Cleft Lip/Palate Syndrome (AEC Syndrome). Identifiers: Orphanet 1071, MedGen C0406709, MONDO:0007124, OMIM 106260.
Limb-mammary syndrome (LMS). Also called: Mammary hypoplasia, ectrodactyly, and other hand/foot anomalies. Identifiers: Orphanet 69085, MedGen C1863753, MONDO:0011334, OMIM 603543.
Rapp-Hodgkin syndrome (RHS). Also called: Rapp-Hodgkin ectodermal dysplasia syndrome; Isolated Cleft Lip/Cleft Palate (Orofacial Cleft 8); ECTODERMAL DYSPLASIA, ANHIDROTIC, WITH CLEFT LIP/PALATE. Identifiers: MedGen C1785148, MONDO:0007508, OMIM 129400.
Orofacial cleft 8. Also called: Cleft lip with or without cleft palate, nonsyndromic, 8. Identifiers: MedGen C1851878, MONDO:0029145, OMIM 618149.
Ectrodactyly, ectodermal dysplasia, and cleft lip-palate syndrome 3. Also called: Ectrodactyly, Ectodermal Dysplasia, Clefting Syndrome Type 3 (EEC3); Ectrodactyly, Ectodermal Dysplasia, Clefting Syndrome; Ectrodactyly, Ectodermal Dysplasia, Cleft Lip/Palate Syndrome 3 (EEC3); EEC SYNDROME 3. Identifiers: Orphanet 1896, MedGen C1858562, MONDO:0011428, OMIM 604292.
Premature ovarian failure 21 (POF21). Identifiers: MedGen C5830399, MONDO:0957216, OMIM 620311.
TP63-Related Spectrum Disorders.

Allele frequency attached by ClinVar (database versions not stated): gnomAD exomes 0.00002; TOPMed 0.00001.
gnomAD v4.1: 24 of 1,614,102 alleles (0.0015%); highest among the groups gnomAD compares: Non-Finnish European, 0.0019%; no homozygotes.

Submissions (2):

Labcorp Genetics (formerly Invitae), Labcorp
Classification: Uncertain significance. Last evaluated: 2025-01-27. Review status: criteria provided, single submitter. Criteria: Invitae Variant Classification Sherloc (09022015). Collection method: clinical testing. Allele origin: germline.
Comment: This sequence change replaces threonine, which is neutral and polar, with isoleucine, which is neutral and non-polar, at codon 494 of the TP63 protein (p.Thr494Ile). This variant is not present in population databases (gnomAD no frequency). This variant has not been reported in the literature in individuals affected with TP63-related conditions. ClinVar contains an entry for this variant (Variation ID: 2046177). Invitae Evidence Modeling incorporating data from in vitro experimental studies (internal data) indicates that this missense variant is not expected to disrupt TP63 function with a negative predictive value of 80%. In summary, the available evidence is currently insufficient to determine the role of this variant in disease. Therefore, it has been classified as a Variant of Uncertain Significance.

Fulgent Genetics
Classification: Uncertain significance for ADULT syndrome; Ankyloblepharon-ectodermal defects-cleft lip/palate syndrome; Rapp-Hodgkin syndrome; Limb-mammary syndrome; Ectrodactyly, ectodermal dysplasia, and cleft lip-palate syndrome 3; Split hand-foot malformation 4; Orofacial cleft 8; Premature ovarian failure 21. Last evaluated: 2024-05-07. Review status: criteria provided, single submitter. Criteria: ACMG Guidelines, 2015. Collection method: clinical testing. Allele origin: germline.